The following is an entry in ClinVar:

NM_002900.3(RBP3):c.2898C>A (p.Ser966Arg)

Gene: RBP3 (retinol binding protein 3; plus strand). Cytogenetic location: 10q11.22.
Variant type: single nucleotide variant.
Coding change: c.2898C>A on transcript NM_002900.3 (MANE Select); coding-DNA position 2898, C replaced by A.
Protein change: p.Ser966Arg; replaces serine 966 with arginine.
Molecular consequence: missense variant.
Genome position (GRCh38, 1-based): chr10:47,351,382, C>A. VCF-style: chr10-47351382-C-A. GRCh37 (hg19) VCF-style: chr10-48387980-G-T.
Other names: c.2898C>A (NM_002900.2); short protein forms S966R.
Identifiers: ClinVar variation 1995491 (VCV001995491.6), dbSNP rs41284960, ClinGen allele CA376675522.

ClinVar aggregate classification (germline): Uncertain significance. Review status: criteria provided, multiple submitters, no conflicts (2 of 4 stars). 2 submissions from 2 submitters: Uncertain significance (2). Last evaluated 2023-06-06.

Conditions:
Inborn genetic diseases. Identifiers: MedGen C0950123, MeSH D030342.

Submissions (2):

Ambry Genetics
Classification: Uncertain significance for Inborn genetic diseases. Last evaluated: 2023-06-06. Review status: criteria provided, single submitter. Criteria: Ambry Variant Classification Scheme 2023. Collection method: clinical testing. Allele origin: germline.

Labcorp Genetics (formerly Invitae), Labcorp
Classification: Uncertain significance. Last evaluated: 2022-05-17. Review status: criteria provided, single submitter. Criteria: Invitae Variant Classification Sherloc (09022015). Collection method: clinical testing. Allele origin: germline.
Comment: Algorithms developed to predict the effect of missense changes on protein structure and function are either unavailable or do not agree on the potential impact of this missense change (SIFT: "Tolerated"; PolyPhen-2: "Possibly Damaging"; Align-GVGD: "Class C0"). In summary, the available evidence is currently insufficient to determine the role of this variant in disease. Therefore, it has been classified as a Variant of Uncertain Significance. This variant has not been reported in the literature in individuals affected with RBP3-related conditions. This variant is not present in population databases (gnomAD no frequency). This sequence change replaces serine, which is neutral and polar, with arginine, which is basic and polar, at codon 966 of the RBP3 protein (p.Ser966Arg).